The following is an entry in ClinVar:

NM_152309.3(PIK3AP1):c.1039G>A (p.Gly347Arg)

Gene: PIK3AP1 (phosphoinositide-3-kinase adaptor protein 1; minus strand). Cytogenetic location: 10q24.1.
Variant type: single nucleotide variant.
Coding change: c.1039G>A on transcript NM_152309.3 (MANE Select); coding-DNA position 1039, G replaced by A.
Protein change: p.Gly347Arg; replaces glycine 347 with arginine.
Molecular consequence: missense variant.
Genome position (GRCh38, 1-based): chr10:96,648,805, C>T on the plus strand (G>A on the coding strand, the complement: PIK3AP1 is on the minus strand). VCF-style: chr10-96648805-C-T. GRCh37 (hg19) VCF-style: chr10-98408562-C-T.
Other names: short protein forms G347R.
Identifiers: ClinVar variation 949824 (VCV000949824.9), dbSNP rs1473752688, ClinGen allele CA377745499.
Genomic context (GRCh38, chr10:96,648,805, plus strand): 5'-CGCTGTACGCCTGCAGGGCTCCTGGGCAGGTGAGCAACAAGGCAGTGAGGTTCTTCAGTC[C>T]ATACTTCGCAGCAAAATGCAACAGGGTGGGCAGCTCTTCATCCCTCTGATCTGAAAATTA-3'
Protein context (NP_689522.2, residues 337-357): PTLLHFAAKY[Gly347Arg]LKNLTALLLT

ClinVar aggregate classification (germline): Uncertain significance (1 of 4 stars; one submission).

Conditions:
Infantile spasms. Also called: Infantile spasm. Identifiers: MedGen C3887898, HP:0012469.

Allele frequency attached by ClinVar (database versions not stated): gnomAD exomes below 0.00001.
gnomAD v4.1: 1 of 1,599,454 alleles (0.000063%); highest among the groups gnomAD compares: South Asian, 0.0011%; no homozygotes.

Submission:

Labcorp Genetics (formerly Invitae), Labcorp
Classification: Uncertain significance for Infantile spasms. Last evaluated: 2022-07-05. Review status: criteria provided, single submitter. Criteria: Invitae Variant Classification Sherloc (09022015). Collection method: clinical testing. Allele origin: germline.
Comment: This sequence change replaces glycine, which is neutral and non-polar, with arginine, which is basic and polar, at codon 347 of the PIK3AP1 protein (p.Gly347Arg). In summary, the available evidence is currently insufficient to determine the role of this variant in disease. Therefore, it has been classified as a Variant of Uncertain Significance. Algorithms developed to predict the effect of missense changes on protein structure and function (SIFT, PolyPhen-2, Align-GVGD) all suggest that this variant is likely to be disruptive. ClinVar contains an entry for this variant (Variation ID: 949824). This variant has not been reported in the literature in individuals affected with PIK3AP1-related conditions. This variant is present in population databases (no rsID available, gnomAD 0.004%).